The following is an entry in ClinVar:

NM_006979.3(SLC39A7):c.376A>C (p.Lys126Gln)

Gene: SLC39A7 (solute carrier family 39 member 7; plus strand). Cytogenetic location: 6p21.32.
Variant type: single nucleotide variant.
Coding change: c.376A>C on transcript NM_006979.3 (MANE Select); coding-DNA position 376, A replaced by C.
Protein change: p.Lys126Gln; replaces lysine 126 with glutamine.
Molecular consequence: missense variant. On other transcripts: intron variant (1).
Genome position (GRCh38, 1-based): chr6:33,201,621, A>C. VCF-style: chr6-33201621-A-C. GRCh37 (hg19) VCF-style: chr6-33169398-A-C.
Other names: c.376A>C, p.Lys126Gln (NM_001077516.2); c.53-140A>C (NM_001288777.2); short protein forms K126Q.
Identifiers: ClinVar variation 1717433 (VCV001717433.5), dbSNP rs2535775823, ClinGen allele CA363638528.

ClinVar aggregate classification (germline): Uncertain significance (1 of 4 stars; one submission).

Submission:

Labcorp Genetics (formerly Invitae), Labcorp
Classification: Uncertain significance. Last evaluated: 2022-08-21. Review status: criteria provided, single submitter. Criteria: Invitae Variant Classification Sherloc (09022015). Collection method: clinical testing. Allele origin: germline.
Comment: In summary, the available evidence is currently insufficient to determine the role of this variant in disease. Therefore, it has been classified as a Variant of Uncertain Significance. Algorithms developed to predict the effect of missense changes on protein structure and function are either unavailable or do not agree on the potential impact of this missense change (SIFT: "Tolerated"; PolyPhen-2: "Possibly Damaging"; Align-GVGD: "Class C0"). This variant has not been reported in the literature in individuals affected with SLC39A7-related conditions. This variant is not present in population databases (gnomAD no frequency). This sequence change replaces lysine, which is basic and polar, with glutamine, which is neutral and polar, at codon 126 of the SLC39A7 protein (p.Lys126Gln).